The following is an entry in ClinVar:

NM_004004.6(GJB2):c.133G>A (p.Gly45Arg)

Gene: GJB2 (gap junction protein beta 2; minus strand). Cytogenetic location: 13q12.11.
Variant type: single nucleotide variant.
Coding change: c.133G>A on transcript NM_004004.6 (MANE Select); coding-DNA position 133, G replaced by A.
Protein change: p.Gly45Arg; replaces glycine 45 with arginine.
Molecular consequence: missense variant.
Genome position (GRCh38, 1-based): chr13:20,189,449, C>T on the plus strand (G>A on the coding strand, the complement: GJB2 is on the minus strand). VCF-style: chr13-20189449-C-T. GRCh37 (hg19) VCF-style: chr13-20763588-C-T.
Other names: short protein forms G45R.
Identifiers: ClinVar variation 556575 (VCV000556575.15), dbSNP rs1326514987, ClinGen allele CA387461860.
Genomic context (GRCh38, chr13:20,189,449, plus strand): 5'-AGCACACGTTCTTGCAGCCTGGCTGCAGGGTGTTGCAGACAAAGTCGGCCTGCTCATCTC[C>T]CCACACCTCCTTTGCAGCCACAACGAGGATCATAATGCGAAAAATGAAGAGGACGGTGAG-3'
Protein context (NP_003995.2, residues 35-55): ILVVAAKEVW[Gly45Arg]DEQADFVCNT

ClinVar aggregate classification (germline): Conflicting classifications of pathogenicity. Review status: criteria provided, conflicting classifications (1 of 4 stars). 7 submissions from 7 submitters: Pathogenic (1); Likely pathogenic (3); Uncertain significance (2). 1 of the submissions does not count toward it. Last evaluated 2026-03-04.

Conditions:
GJB2-related disorder. Also called: GJB2-related condition; GJB2-related disorders. Identifiers: MedGen CN382183, MONDO:1060236.
Inborn genetic diseases. Identifiers: MedGen C0950123, MeSH D030342.
Autosomal recessive nonsyndromic hearing loss 1A (DFNB1A). Also called: GJB6-Related DFNB 1 Nonsyndromic Hearing Loss and Deafness; Nonsyndromic Hearing Loss and Deafness, DFNB1; GJB2-Related Autosomal Recessive Nonsyndromic Hearing Loss; Deafness, autosomal recessive 1A; Connexin 26 deafness; Deafness nonsyndromic, Connexin 26 linked. Identifiers: Orphanet 90636, MedGen C2673759, MONDO:0009076, OMIM 220290.

Allele frequency attached by ClinVar (database versions not stated): gnomAD 0.00001; TOPMed 0.00001.

Submissions (7):

PreventionGenetics, part of Exact Sciences
Classification: Uncertain significance for GJB2-related condition. Last evaluated: 2026-03-04. Review status: criteria provided, single submitter. Criteria: ACMG Guidelines, 2015. Collection method: clinical testing. Allele origin: germline.
Comment: The GJB2 c.133G>A variant is predicted to result in the amino acid substitution p.Gly45Arg. This variant has been reported in the heterozygous state in an individual with post-lingual mild non-syndromic hearing loss with suspected autosomal dominant inheritance (Rodriguez-Paris et al. 2016. PubMed ID: 27761313). In vitro experimental studies showed the p.Gly45Arg impacts protein function by formation of dysfunctional gap junctions (Rodriguez-Paris et al. 2016. PubMed ID: 27761313). An alternate nucleotide change at the same amino acid position (p.Gly45Glu) has been reported in multiple individuals with autosomal dominant keratitis-ichthyosis-deafness syndrome syndrome (Ogawa et al. 2014. PubMed ID: 24785414; Jonard et al. 2007. PubMed ID: 18024254; Janecke et al. 2005. PubMed ID: 15633193; Griffith et al. 2006. PubMed ID: 16885744). This variant is reported in 0.011% of alleles in individuals of African descent in gnomAD, but only 0.0013% in the larger gnomAD v4.1.0 database represented by only 2 alleles. In ClinVar this variant has conflicting interpretations ranging from uncertain to pathogenic (Variation ID: 556575). Although we suspect that this variant may be pathogenic, at this time, the clinical significance of this variant is uncertain due to the absence of conclusive functional and genetic evidence.

Ambry Genetics
Classification: Likely pathogenic for Inborn genetic diseases. Last evaluated: 2026-01-28. Review status: criteria provided, single submitter. Criteria: Ambry Variant Classification Scheme 2023. Collection method: clinical testing. Allele origin: germline.
Comment: The c.133G>A (p.G45R) alteration is located in exon 2 (coding exon 1) of the GJB2 gene. This alteration results from a G to A substitution at nucleotide position 133, causing the glycine (G) at amino acid position 45 to be replaced by an arginine (R). for autosomal dominant GJB2-related nonsyndromic hearing loss; however, its clinical significance for autosomal recessive GJB2-related nonsyndromic hearing loss and GJB2-related syndromic hearing loss w/ ectodermal involvement s uncertain. Based on data from gnomAD, the A allele has an overall frequency of 0.003% (1/31396) total alleles studied. The highest observed frequency was 0.012% (1/8706) of African alleles. This variant was reported in individual(s) with features consistent with GJB2-related nonsyndromic hearing loss, but clinical details were limited (Rodriguez-Paris, 2016). Other variant(s) at the same codon, c.134G>A (p.G45E) have been identified in individual(s) with features consistent with autosomal dominant GJB2-related syndromic hearing loss. The c.134G>A (p.G45E) variant has also been reported in cis with c.408C>A (p.Y136*) as a complex allele c.[134G>A;408C>A] (p.[G45E;Y136*]) in individual(s) with features consistent with autosomal recessive GJB2-related nonsyndromic hearing loss (Janecke, 2005; Sakuma, 2016). This amino acid position is highly conserved in available vertebrate species. This alteration is predicted to be deleterious by in silico analysis. Based on the available evidence, this alteration is classified as likely pathogenic.

GeneDx
Classification: Pathogenic. Last evaluated: 2025-04-03. Review status: criteria provided, single submitter. Criteria: GeneDx Variant Classification Process June 2021. Collection method: clinical testing. Allele origin: germline. Affected: yes.
Comment: Reported heterozygous in a patient with post-lingual hearing loss in the published literature (PMID: 27761313); however, additional clinical and inheritance information was not provided; Published functional studies demonstrate that the Cx26 protein with this variant is able to formgap junction channels at cell membranes, but channels showreduced IP3 permeability when co-expressed withwildtype Cx26 channels, consistent witha dominant negative effect on channel function (PMID: 27761313); Located in the highly conserved parahelix region of connexin 26; Not observed at significant frequency in large population cohorts (gnomAD); In silico analysis supports that this missense variant has a deleterious effect on protein structure/function; This variant is associated with the following publications: (PMID: 27761313, 37892203, 36048236, 37106706)

Natera, Inc.
Classification: Likely pathogenic for Autosomal recessive deafness type 1A. Last evaluated: 2025-03-14. Review status: criteria provided, single submitter. Criteria: Natera Variant Classification Schema (03/2026). Collection method: clinical testing. Allele origin: germline.
Comment: The c.133G>A variant in GJB2 is a missense variant predicted to cause substitution of glycine to arginine at amino acid 45. This variant is rare in the general population with a frequency below the threshold expected for the associated phenotype(s). Functional studies show that this variant may disrupt protein function (PMID: 27761313). A different variant at the same position has been determined to be Pathogenic or Likely Pathogenic. Computational prediction algorithms indicate this variant is likely to affect gene or protein function. Given the available evidence, this variant is classified as Likely Pathogenic.

Labcorp Genetics (formerly Invitae), Labcorp
Classification: Likely pathogenic. Last evaluated: 2021-08-23. Review status: criteria provided, single submitter. Criteria: Invitae Variant Classification Sherloc (09022015). Collection method: clinical testing. Allele origin: germline.
Comment: This sequence change replaces glycine with arginine at codon 45 of the GJB2 protein (p.Gly45Arg). The glycine residue is highly conserved and there is a moderate physicochemical difference between glycine and arginine. This variant is not present in population databases (ExAC no frequency). This missense change has been observed in individual(s) with deafness (PMID: 27761313). ClinVar contains an entry for this variant (Variation ID: 556575). Advanced modeling of protein sequence and biophysical properties (such as structural, functional, and spatial information, amino acid conservation, physicochemical variation, residue mobility, and thermodynamic stability) performed at Invitae indicates that this missense variant is expected to disrupt GJB2 protein function. Experimental studies have shown that this missense change affects GJB2 function (PMID: 27761313). This variant disrupts the p.Gly45 amino acid residue in GJB2. Other variant(s) that disrupt this residue have been determined to be pathogenic (PMID: 15633193, 16885744, 18024254, 24785414). This suggests that this residue is clinically significant, and that variants that disrupt this residue are likely to be disease-causing. In summary, the currently available evidence indicates that the variant is pathogenic, but additional data are needed to prove that conclusively. Therefore, this variant has been classified as Likely Pathogenic.

Laboratory for Molecular Medicine, Mass General Brigham Personalized Medicine
Classification: Uncertain significance. Last evaluated: 2018-07-25. Review status: criteria provided, single submitter. Criteria: LMM Criteria. Collection method: clinical testing. Allele origin: germline. Observed: 2 variant alleles.
Comment: Variant classified as Uncertain Significance - Favor Pathogenic. The p.Gly45Arg variant in GJB2 has been reported in 1 individual with non-syndromic hearing los s (Rodriguez-Paris 2016). In addition, in vitro fluorescence microscopy studies suggest impaired permeability of IP3 through the connexin-26 (GJB2) channel for the p.Gly45Arg variant, potentially in an autosomal dominant manner (Rodriguez-P aris 2016). This variant has also been identified in 1/8722 of African chromosom es by the Genome Aggregation Database (gnomAD) . Computational prediction tools and conservation analysis suggest that the p.Gl y45Arg variant may impact the protein, though this information is not predictive enough to determine pathogenicity. In summary, while there is some suspicion fo r a pathogenic role, the clinical significance of the p.Gly45Arg variant is unce rtain. ACMG/AMP Criteria applied: PM2; PP3; PS3_Supporting.

Counsyl
Classification: Uncertain significance for Autosomal recessive nonsyndromic hearing loss 1A. Last evaluated: 2018-02-13. Review status: no assertion criteria provided. Collection method: clinical testing. Allele origin: unknown. Not counted in ClinVar's aggregate classification.

Literature cited by the submitters: PubMed 15633193 (cited by Ambry Genetics and Labcorp Genetics (formerly Invitae), Labcorp); PubMed 26763877 (cited by Ambry Genetics); PubMed 27761313 (cited by 5 submitters); PubMed 16885744 (cited by Labcorp Genetics (formerly Invitae), Labcorp); PubMed 18024254 (cited by Labcorp Genetics (formerly Invitae), Labcorp); PubMed 24785414 (cited by Labcorp Genetics (formerly Invitae), Labcorp).